The following is an entry in ClinVar:

ClinVar aggregate classification (germline): Uncertain significance (1 of 4 stars; one submission).

Conditions:
Ataxia-pancytopenia syndrome (ATXPC). Also called: SAMD9L-Related Syndrome; SAMD9L Ataxia-Pancytopenia Syndrome. Identifiers: Orphanet 2585, MedGen C1327919, MONDO:0008038, OMIM 159550.

gnomAD v4.1: 2 of 1,613,858 alleles (0.00012%); highest among the groups gnomAD compares: Admixed American, 0.0033%; no homozygotes.

Submission:

St. Jude Molecular Pathology, St. Jude Children's Research Hospital
Classification: Uncertain significance for Ataxia-pancytopenia syndrome. Last evaluated: 2026-10-01. Review status: criteria provided, single submitter. Criteria: St. Jude Assertion Criteria 2020. Collection method: clinical testing. Allele origin: germline.
Comment: The SAMD9L c.2389C>A p.(Pro797Thr) missense change has a maximum subpopulation frequency of 0.0058% in gnomAD v2.1.1. The in silico tool REVEL predic ts a deleterious effect on protein function, but to our knowledge this prediction has not been confirmed by functional studies. In silico predictions have not been found to correlate with syndromic risk and are not considered supporting evidence of a pat hogenic or benign effect (PMID: 34621053). To our knowledge, this variant has not been reported in individuals with ataxia-pancytopenia syndrome or monosomy 7 myelodysplasia and leukemia syndrome. In summary, the evidence currently available is insufficient to determine the clinical significance of this variant. It has therefore been classified as of uncertain significance.

NM_152703.5(SAMD9L):c.2389C>A (p.Pro797Thr)

Gene: SAMD9L (sterile alpha motif domain containing 9 like; minus strand). Cytogenetic location: 7q21.2.
Variant type: single nucleotide variant.
Coding change: c.2389C>A on transcript NM_152703.5 (MANE Select); coding-DNA position 2389, C replaced by A.
Protein change: p.Pro797Thr; replaces proline 797 with threonine.
Molecular consequence: missense variant.
Genome position (GRCh38, 1-based): chr7:93,133,583, G>T on the plus strand (C>A on the coding strand, the complement: SAMD9L is on the minus strand). VCF-style: chr7-93133583-G-T. GRCh37 (hg19) VCF-style: chr7-92762896-G-T.
Other names: c.2389C>A, p.Pro797Thr (NM_001303500.3, NM_001350082.2, NM_001350083.2 and 5 more transcripts); short protein forms P797T.
Identifiers: ClinVar variation 5038367 (VCV005038367.1).